The following is an entry in ClinVar:

ClinVar aggregate classification (germline): Pathogenic. Review status: criteria provided, multiple submitters, no conflicts (2 of 4 stars). 16 submissions from 16 submitters: Pathogenic (14). 2 of the submissions do not count toward it. Last evaluated 2026-02-03.

Conditions:
PKD2-related disorder. Also called: PKD2-related condition.
Autosomal dominant polycystic kidney disease. Identifiers: Orphanet 730, MedGen C0085413, MONDO:0004691.
Polycystic kidney disease 2 (PKD2). Also called: Polycystic Kidney Disease 2, Autosomal Dominant; POLYCYSTIC KIDNEY DISEASE 2 WITH OR WITHOUT POLYCYSTIC LIVER DISEASE; POLYCYSTIC KIDNEY DISEASE, ADULT, TYPE II. Identifiers: MedGen C2751306, MONDO:0013131, OMIM 613095.

Allele frequency attached by ClinVar (database versions not stated): gnomAD exomes 0.00001; gnomAD 0.00001; TOPMed 0.00001.
gnomAD v4.1: 8 of 1,613,520 alleles (0.0005%); highest among the groups gnomAD compares: South Asian, 0.0011%; no homozygotes.

Submissions (16):

Victorian Clinical Genetics Services, Murdoch Childrens Research Institute
Classification: Pathogenic for Polycystic kidney disease 2. Last evaluated: 2026-02-03. Review status: criteria provided, single submitter. Criteria: ACMG Guidelines, 2015. Collection method: clinical testing. Allele origin: germline. Affected: yes.
Comment: This variant is classified as Pathogenic. Evidence in support of pathogenic classification: Variant is predicted to cause nonsense-mediated decay (NMD) and loss of protein (premature termination codon is located at least 54 nucleotides upstream of the final exon-exon junction); Variant is present in gnomAD <0.001 for a dominant condition (v4: 8 heterozygote(s), 0 homozygote(s)); Other NMD-predicted variants comparable to the one identified in this case have very strong previous evidence for pathogenicity (DECIPHER). Additional information: This variant is heterozygous; This gene is associated with autosomal dominant disease; Loss of function is a known mechanism of disease in this gene and is associated with polycystic kidney disease 2 (MIM#613095); Inheritance information for this variant is not currently available in this individual.

Medical and Scientific Branch, Hong Kong Genome Institute
Classification: Pathogenic for Polycystic kidney disease 2. Last evaluated: 2025-12-11. Review status: criteria provided, single submitter. Criteria: ACMG Guidelines, 2015. Collection method: clinical testing. Allele origin: germline. Affected: yes.

Mayo Clinic Laboratories, Mayo Clinic
Classification: Pathogenic. Last evaluated: 2025-09-26. Review status: criteria provided, single submitter. Criteria: ACMG Guidelines, 2015. Collection method: clinical testing. Allele origin: germline. Observed: 1 variant allele.
Comment: PP1_moderate, PS4_moderate, PVS1

PreventionGenetics, part of Exact Sciences
Classification: Pathogenic for PKD2-related condition. Last evaluated: 2025-09-10. Review status: criteria provided, single submitter. Criteria: ACMG Guidelines, 2015. Collection method: clinical testing. Allele origin: germline.
Comment: The PKD2 c.2224C>T variant is predicted to result in premature protein termination (p.Arg742*). This variant has been reported to be causative for autosomal dominant polycystic kidney disease (ADPKD) (see for example, Rossetti et al. 2012. PubMed ID: 22383692; Table S7, Groopman et al. 2019. PubMed ID: 30586318). This variant is reported in 0.0065% of alleles in individuals of European (Non-Finnish) descent in gnomAD. Nonsense variants in PKD2 are expected to be pathogenic. This variant is interpreted as pathogenic.

Labcorp Genetics (formerly Invitae), Labcorp
Classification: Pathogenic for Autosomal dominant polycystic kidney disease. Last evaluated: 2025-05-18. Review status: criteria provided, single submitter. Criteria: Invitae Variant Classification Sherloc (09022015). Collection method: clinical testing. Allele origin: germline.
Comment: This sequence change creates a premature translational stop signal (p.Arg742*) in the PKD2 gene. It is expected to result in an absent or disrupted protein product. Loss-of-function variants in PKD2 are known to be pathogenic (PMID: 17582161, 22863349). This variant is present in population databases (rs121918040, gnomAD 0.007%). This premature translational stop signal has been observed in individual(s) with autosomal dominant polycystic kidney disease (PMID: 8650545, 12707387, 22383692, 23300259). It has also been observed to segregate with disease in related individuals. ClinVar contains an entry for this variant (Variation ID: 13518). Algorithms developed to predict the effect of sequence changes on RNA splicing suggest that this variant may create or strengthen a splice site. For these reasons, this variant has been classified as Pathogenic.

Women's Health and Genetics/Laboratory Corporation of America, LabCorp
Classification: Pathogenic for Polycystic kidney disease 2. Last evaluated: 2025-04-14. Review status: criteria provided, single submitter. Criteria: LabCorp Variant Classification Summary - May 2015. Collection method: clinical testing. Allele origin: germline.
Comment: Variant summary: PKD2 c.2224C>T (p.Arg742X) results in a premature termination codon, predicted to cause a truncation of the encoded protein or absence of the protein due to nonsense mediated decay, which are commonly known mechanisms for disease. The variant was absent in 251350 control chromosomes. c.2224C>T has been observed in multiple individuals affected with Polycystic Kidney Disease 2 (e.g., Mochizuki_1996, Ozyavuz_2024). The following publications have been ascertained in the context of this evaluation (PMID: 8650545, 38971859). ClinVar contains an entry for this variant (Variation ID: 13518). Based on the evidence outlined above, the variant was classified as pathogenic.

Athena Diagnostics
Classification: Pathogenic. Last evaluated: 2025-02-27. Review status: criteria provided, single submitter. Criteria: Athena Diagnostics Criteria. Collection method: clinical testing. Allele origin: unknown.
Comment: This variant is expected to result in the loss of a functional protein. The frequency of this variant in the general population is consistent with pathogenicity. This variant has been identified in multiple unrelated individuals with polycystic kidney disease (PKD) and appears to segregate in one family.

Genetic Services Laboratory, University of Chicago
Classification: Pathogenic. Last evaluated: 2024-10-10. Review status: criteria provided, single submitter. Criteria: ACMG Guidelines, 2015. Collection method: clinical testing. Allele origin: germline. Affected: yes.
Comment: DNA sequence analysis of the PKD2 gene demonstrated a sequence change, c.2224C>T, which results in the creation of a premature stop codon at amino acid position 742, p.Arg742*. This sequence change is predicted to result in an abnormal transcript, which may be degraded, or may lead to the production of a truncated PKD2 protein with potentially abnormal function. This sequence change has been described in the gnomAD database with a frequency of 0.0005% in the global population (dbSNP rs121918040). This sequence change has previously been described in multiple individuals with polycystic kidney disease and segregated with disease in one family (PMID: 32384474, 31740684, 29633482, 29529603, 12707387, 23300259, 22383692, 8650545). Collectively, these evidences indicate this sequence change is pathogenic.

Fulgent Genetics
Classification: Pathogenic for Polycystic kidney disease 2. Last evaluated: 2024-02-01. Review status: criteria provided, single submitter. Criteria: ACMG Guidelines, 2015. Collection method: clinical testing. Allele origin: germline.

GeneDx
Classification: Pathogenic. Last evaluated: 2024-01-17. Review status: criteria provided, single submitter. Criteria: GeneDx Variant Classification Process June 2021. Collection method: clinical testing. Allele origin: germline. Affected: yes.
Comment: Nonsense variant predicted to result in protein truncation or nonsense mediated decay in a gene for which loss-of-function is a known mechanism of disease; Not observed at significant frequency in large population cohorts (gnomAD); This variant is associated with the following publications: (PMID: 29633482, 30586318, 25525159, 29321346, 34101167, 18701462, 23398808, 18721488, 22832196, 21290287, 11302751, 16551655, 16223735, 30566001, 12407099, 31979107, 15130895, 10497221, 26269590, 29529603, 31740684, 12707387, 32384474, 22383692, 23300259, 25266109, 11438989, 22863349, 24658975, 37062241, 8650545)

Department of Pathology and Laboratory Medicine, Sinai Health System
Classification: Pathogenic for Polycystic kidney disease 2. Last evaluated: 2019-10-10. Review status: criteria provided, single submitter. Criteria: ACMG Guidelines, 2015. Collection method: clinical testing. Allele origin: germline.

Blueprint Genetics
Classification: Pathogenic for PKD2-related disorders. Last evaluated: 2019-05-21. Review status: criteria provided, single submitter. Criteria: ACMG Guidelines, 2015. Collection method: clinical testing. Allele origin: germline. Affected: yes. Observed: 1 variant allele.

ARUP Laboratories, Molecular Genetics and Genomics, ARUP Laboratories
Classification: Pathogenic. Last evaluated: 2017-11-16. Review status: criteria provided, single submitter. Criteria: ARUP Molecular Germline Variant Investigation Process. Collection method: clinical testing. Allele origin: germline.

Juno Genomics, Hangzhou Juno Genomics, Inc
Classification: Pathogenic for Polycystic kidney disease 2. Review status: criteria provided, single submitter. Criteria: ACMG Guidelines, 2015. Collection method: clinical testing. Allele origin: germline. Affected: yes.
Comment: Absent from controls (or at extremely low frequency if recessive) in Genome Aggregation Database, Exome Sequencing Project, 1000 Genomes Project, or Exome Aggregation Consortium.;Null variant in a gene where loss of function (LOF) is a known mechanism of disease.;The prevalence of the variant in affected individuals is significantly increased compared to the prevalence in controls.;Co-segregation with disease in multiple affected family members in a gene definitively known to cause the disease.;Well-established in vitro or in vivo functional studies supportive of a damaging effect on the gene or gene product.

Gharavi Laboratory, Columbia University
Classification: Pathogenic. Last evaluated: 2018-09-16. Review status: no assertion criteria provided. Criteria: ACMG Guidelines, 2015. Collection method: research. Allele origin: germline. Affected: yes. Not counted in ClinVar's aggregate classification.

OMIM
Classification: Pathogenic for POLYCYSTIC KIDNEY DISEASE 2. Last evaluated: 1996-05-31. Review status: no assertion criteria provided. Collection method: literature only. Allele origin: germline. Not counted in ClinVar's aggregate classification.

Literature cited by the submitters: PubMed 12407099 (cited by Mayo Clinic Laboratories, Mayo Clinic); PubMed 25525159 (cited by Mayo Clinic Laboratories, Mayo Clinic); PubMed 29321346 (cited by Mayo Clinic Laboratories, Mayo Clinic and Athena Diagnostics); PubMed 29529603 (cited by Mayo Clinic Laboratories, Mayo Clinic and Athena Diagnostics); PubMed 29633482 (cited by Mayo Clinic Laboratories, Mayo Clinic and Athena Diagnostics); PubMed 30586318 (cited by Mayo Clinic Laboratories, Mayo Clinic); PubMed 31740684 (cited by Mayo Clinic Laboratories, Mayo Clinic and Athena Diagnostics); PubMed 32384474 (cited by Mayo Clinic Laboratories, Mayo Clinic and Athena Diagnostics); PubMed 34101167 (cited by Mayo Clinic Laboratories, Mayo Clinic); PubMed 36186434 (cited by Mayo Clinic Laboratories, Mayo Clinic); PubMed 36833371 (cited by Mayo Clinic Laboratories, Mayo Clinic); PubMed 36938073 (cited by Mayo Clinic Laboratories, Mayo Clinic); PubMed 8650545 (cited by 6 submitters); PubMed 17582161 (cited by Labcorp Genetics (formerly Invitae), Labcorp); PubMed 22863349 (cited by Labcorp Genetics (formerly Invitae), Labcorp and Athena Diagnostics); PubMed 12707387 (cited by 3 submitters); PubMed 22383692 (cited by 3 submitters); PubMed 23300259 (cited by 3 submitters); PubMed 38971859 (cited by Women's Health and Genetics/Laboratory Corporation of America, LabCorp); PubMed 10648666 (cited by Athena Diagnostics); PubMed 31979107 (cited by Athena Diagnostics).

NM_000297.4(PKD2):c.2224C>T (p.Arg742Ter)

Gene: PKD2 (polycystin 2, transient receptor potential cation channel; plus strand). Cytogenetic location: 4q22.1.
Variant type: single nucleotide variant.
Coding change: c.2224C>T on transcript NM_000297.4 (MANE Select); coding-DNA position 2224, C replaced by T.
Protein change: p.Arg742Ter; replaces arginine 742 with a stop codon.
Molecular consequence: nonsense. On other transcripts: non-coding transcript variant (1).
Genome position (GRCh38, 1-based): chr4:88,065,479, C>T. VCF-style: chr4-88065479-C-T. GRCh37 (hg19) VCF-style: chr4-88986631-C-T.
Other names: short protein forms R742*.
Identifiers: ClinVar variation 13518 (VCV000013518.33), dbSNP rs121918040, ClinGen allele CA123160.
Genomic context (GRCh38, chr4:88,065,479, plus strand): 5'-GTGGATGACATTTCAGAGAGTCTGCGGCAAGGAGGAGGCAAGTTAAACTTTGACGAACTT[C>T]GACAAGATCTCAAAGGGTGAGAATCATGCTTCCTGAGGTTCTGAAAAATTCCTGCTTCTA-3'